The following is an entry in ClinVar:

ClinVar aggregate classification (germline): Uncertain significance (1 of 4 stars; one submission).

Allele frequency attached by ClinVar (database versions not stated): gnomAD 0.00007; ESP Exome Variant Server 0.00008; TOPMed 0.00010; 1000 Genomes Project 0.00020; 1000 Genomes Project 30x 0.00031.
gnomAD v4.1: 22 of 1,613,218 alleles (0.0014%); highest among the groups gnomAD compares: African/African-American, 0.028%; no homozygotes.

Submission:

Labcorp Genetics (formerly Invitae), Labcorp
Classification: Uncertain significance. Last evaluated: 2025-12-12. Review status: criteria provided, single submitter. Criteria: Invitae Variant Classification Sherloc (09022015). Collection method: clinical testing. Allele origin: germline.
Comment: This sequence change replaces glycine, which is neutral and non-polar, with glutamic acid, which is acidic and polar, at codon 753 of the TNNI3K protein (p.Gly753Glu). This variant is present in population databases (rs144507273, gnomAD 0.02%). This variant has not been reported in the literature in individuals affected with TNNI3K-related conditions. ClinVar contains an entry for this variant (Variation ID: 1487023). An algorithm developed to predict the effect of missense changes on protein structure and function (PolyPhen-2) suggests that this variant is likely to be tolerated. In summary, the available evidence is currently insufficient to determine the role of this variant in disease. Therefore, it has been classified as a Variant of Uncertain Significance.

NM_015978.3(TNNI3K):c.2258G>A (p.Gly753Glu)

Genes: FPGT-TNNI3K (FPGT-TNNI3K readthrough; plus strand), LRRC53 (leucine rich repeat containing 53; minus strand), TNNI3K (TNNI3 interacting kinase; plus strand). Cytogenetic location: 1p31.1.
Variant type: single nucleotide variant.
Coding change: c.2258G>A on transcript NM_015978.3 (MANE Select); coding-DNA position 2258, G replaced by A.
Protein change: p.Gly753Glu; replaces glycine 753 with glutamic acid.
Molecular consequence: missense variant. On other transcripts: intron variant (2).
Genome position (GRCh38, 1-based): chr1:74,492,173, G>A. VCF-style: chr1-74492173-G-A. GRCh37 (hg19) VCF-style: chr1-74957857-G-A.
Other names: c.2561G>A, p.Gly854Glu (NM_001112808.3); c.-8-11205C>T (NM_001364666.2); c.-26-8798C>T (NM_001382280.1); short protein forms G753E, G854E.
Identifiers: ClinVar variation 1487023 (VCV001487023.6), dbSNP rs144507273, ClinGen allele CA909833.